The following is an entry in ClinVar:

NM_005445.4(SMC3):c.3339A>G (p.Gln1113=)

Gene: SMC3 (structural maintenance of chromosomes 3; plus strand). Cytogenetic location: 10q25.2.
Variant type: single nucleotide variant.
Coding change: c.3339A>G on transcript NM_005445.4 (MANE Select); coding-DNA position 3339, A replaced by G.
Protein change: p.Gln1113=; no amino-acid change (glutamine 1113 retained).
Molecular consequence: synonymous variant.
Genome position (GRCh38, 1-based): chr10:110,602,866, A>G. VCF-style: chr10-110602866-A-G. GRCh37 (hg19) VCF-style: chr10-112362624-A-G.
Identifiers: ClinVar variation 588441 (VCV000588441.19), dbSNP rs189703529, ClinGen allele CA5688409.

ClinVar aggregate classification (germline): Benign/Likely benign. Review status: criteria provided, multiple submitters, no conflicts (2 of 4 stars). 3 submissions from 3 submitters: Benign (1); Likely benign (2). Last evaluated 2026-02-01.

Conditions:
Inborn genetic diseases. Identifiers: MedGen C0950123, MeSH D030342.
Cornelia de Lange syndrome 3 (CDLS3). Also called: CORNELIA DE LANGE SYNDROME 3 WITH OR WITHOUT MIDLINE BRAIN DEFECTS; SMC3-Related Cornelia de Lange Syndrome. Identifiers: Orphanet 199, MedGen C1853099, MONDO:0012555, OMIM 610759.

Allele frequency attached by ClinVar (database versions not stated): gnomAD 0.00001; gnomAD exomes 0.00010 and 0.00024; TOPMed 0.00010; 1000 Genomes Project 30x 0.00016; ExAC 0.00019; 1000 Genomes Project 0.00020.
gnomAD v4.1: 64 of 1,614,084 alleles (0.004%); highest among the groups gnomAD compares: Admixed American, 0.1%; no homozygotes.

Submissions (3):

CeGaT Center for Human Genetics Tuebingen
Classification: Likely benign. Last evaluated: 2026-02-01. Review status: criteria provided, single submitter. Criteria: CeGaT Center For Human Genetics Tuebingen Variant Classification Criteria Version 2. Collection method: clinical testing. Allele origin: germline. Affected: yes. Observed: 1 variant allele.
Comment: SMC3: BP4, BP7, BS1

Labcorp Genetics (formerly Invitae), Labcorp
Classification: Benign for Cornelia de Lange syndrome 3. Last evaluated: 2026-01-05. Review status: criteria provided, single submitter. Criteria: Invitae Variant Classification Sherloc (09022015). Collection method: clinical testing. Allele origin: germline.

Ambry Genetics
Classification: Likely benign for Inborn genetic diseases. Last evaluated: 2016-11-16. Review status: criteria provided, single submitter. Criteria: Ambry Variant Classification Scheme 2023. Collection method: clinical testing. Allele origin: germline.